The following is an entry in ClinVar:

ClinVar aggregate classification (germline): Uncertain significance (1 of 4 stars; one submission).

gnomAD v4.1: 124 of 1,549,558 alleles (0.008%); highest among the groups gnomAD compares: African/African-American, 0.11%; no homozygotes.

Submission:

GeneDx
Classification: Uncertain significance. Last evaluated: 2025-04-09. Review status: criteria provided, single submitter. Criteria: GeneDx Variant Classification Process June 2021. Collection method: clinical testing. Allele origin: germline. Affected: yes.
Comment: In silico analysis indicates that this missense variant does not alter protein structure/function; Has not been previously published as pathogenic or benign to our knowledge; Reported using an alternate transcript of the gene

NM_001242908.2(RSPO1):c.-230G>A

Gene: RSPO1 (R-spondin 1; minus strand). Cytogenetic location: 1p34.3.
Variant type: single nucleotide variant.
Coding change: c.-230G>A on transcript NM_001242908.2 (MANE Select); 230 bases upstream of the start codon, G replaced by A.
Molecular consequence: 5 prime UTR variant. On other transcripts: missense variant (1).
Genome position (GRCh38, 1-based): chr1:37,629,891, C>T on the plus strand (G>A on the coding strand, the complement: RSPO1 is on the minus strand). VCF-style: chr1-37629891-C-T. GRCh37 (hg19) VCF-style: chr1-38095563-C-T.
Other names: c.-230G>A (NM_001038633.4, NM_001242910.2); c.11G>A, p.Arg4Gln (NM_001242909.2); short protein forms R4Q.
Identifiers: ClinVar variation 4282011 (VCV004282011.1).
Genomic context (GRCh38, chr1:37,629,891, plus strand): 5'-GCCCAGTTCTCCATCAGCTCAAAGGGAGGTCCTCAAAGAGAGACTTCCTCAAAGATACCT[C>T]GGAATATCATATGAGAGATCTTTTTGTCACGTCAGCAGGGACTACTCCAAAAACCAACCT-3'